The following is an entry in ClinVar:

NM_001130682.3(GUCY1A1):c.1670T>C (p.Met557Thr)

Gene: GUCY1A1 (guanylate cyclase 1 soluble subunit alpha 1; plus strand). Cytogenetic location: 4q32.1.
Variant type: single nucleotide variant.
Coding change: c.1670T>C on transcript NM_001130682.3 (MANE Select); coding-DNA position 1670, T replaced by C.
Protein change: p.Met557Thr; replaces methionine 557 with threonine.
Molecular consequence: missense variant.
Genome position (GRCh38, 1-based): chr4:155,717,256, T>C. VCF-style: chr4-155717256-T-C. GRCh37 (hg19) VCF-style: chr4-156638408-T-C.
Other names: p.Met557Thr; c.1670T>C, p.Met557Thr (NM_000856.6, NM_001130683.4, NM_001130684.3 and 12 more transcripts); c.965T>C, p.Met322Thr (NM_001130685.3, NM_001440518.1); c.1163T>C, p.Met388Thr (NM_001379676.1); short protein forms M388T, M322T, M557T.
Identifiers: ClinVar variation 4541016 (VCV004541016.1).

ClinVar aggregate classification (germline): Uncertain significance (1 of 4 stars; one submission).

Submission:

Mayo Clinic Laboratories, Mayo Clinic
Classification: Uncertain significance. Last evaluated: 2025-11-29. Review status: criteria provided, single submitter. Criteria: ACMG Guidelines, 2015. Collection method: clinical testing. Allele origin: germline. Observed: 1 variant allele.
Comment: PP3_moderate, PM2_supporting